The following is an entry in ClinVar:

ClinVar aggregate classification (germline): Uncertain significance (1 of 4 stars; one submission).

Allele frequency attached by ClinVar (database versions not stated): gnomAD exomes 0.00001; ExAC 0.00002; TOPMed 0.00002.
gnomAD v4.1: 1 of 1,614,114 alleles (0.000062%); highest among the groups gnomAD compares: Admixed American, 0.0017%; no homozygotes.

Submission:

Labcorp Genetics (formerly Invitae), Labcorp
Classification: Uncertain significance. Last evaluated: 2021-11-23. Review status: criteria provided, single submitter. Criteria: Invitae Variant Classification Sherloc (09022015). Collection method: clinical testing. Allele origin: germline.
Comment: In summary, the available evidence is currently insufficient to determine the role of this variant in disease. Therefore, it has been classified as a Variant of Uncertain Significance. Algorithms developed to predict the effect of missense changes on protein structure and function are either unavailable or do not agree on the potential impact of this missense change (SIFT: "Tolerated"; PolyPhen-2: "Probably Damaging"; Align-GVGD: "Class C0"). This variant has not been reported in the literature in individuals affected with HSD3B2-related conditions. This variant is present in population databases (rs745547471, gnomAD 0.006%). This sequence change replaces proline, which is neutral and non-polar, with serine, which is neutral and polar, at codon 260 of the HSD3B2 protein (p.Pro260Ser).

NM_000198.4(HSD3B2):c.778C>T (p.Pro260Ser)

Gene: HSD3B2 (hydroxy-delta-5-steroid dehydrogenase, 3 beta- and steroid delta-isomerase 2; plus strand). Cytogenetic location: 1p12.
Variant type: single nucleotide variant.
Coding change: c.778C>T on transcript NM_000198.4 (MANE Select); coding-DNA position 778, C replaced by T.
Protein change: p.Pro260Ser; replaces proline 260 with serine.
Molecular consequence: missense variant.
Genome position (GRCh38, 1-based): chr1:119,422,279, C>T. VCF-style: chr1-119422279-C-T. GRCh37 (hg19) VCF-style: chr1-119964902-C-T.
Other names: c.778C>T, p.Pro260Ser (NM_001166120.2); short protein forms P260S.
Identifiers: ClinVar variation 1466610 (VCV001466610.6), dbSNP rs745547471, ClinGen allele CA1036039.